The following is an entry in ClinVar:

ClinVar aggregate classification (germline): Pathogenic (1 of 4 stars; one submission).

Conditions:
Hereditary cancer-predisposing syndrome. Also called: Neoplastic Syndromes, Hereditary; Tumor predisposition; Hereditary Cancer Syndrome; Hereditary neoplastic syndrome. Identifiers: Orphanet 140162, MedGen C0027672, MeSH D009386, MONDO:0015356.
Cardiovascular phenotype. Identifiers: MedGen CN230736.

Submission:

Ambry Genetics
Classification: Pathogenic for Cardiovascular phenotype; Hereditary cancer-predisposing syndrome. Last evaluated: 2020-03-31. Review status: criteria provided, single submitter. Criteria: Ambry Variant Classification Scheme 2023. Collection method: clinical testing. Allele origin: germline.
Comment: The c.3898delC pathogenic mutation, located in coding exon 29 of the NF1 gene, results from a deletion of one nucleotide at position 3898, causing a translational frameshift with a predicted alternate stop codon (p.L1300Sfs*9). This variant was not reported in population-based cohorts in the Genome Aggregation Database (gnomAD). This alteration is expected to result in loss of function by premature protein truncation or nonsense-mediated mRNA decay. As such, this alteration is interpreted as a disease-causing mutation.

NM_001042492.3(NF1):c.3898del (p.Leu1300fs)

Gene: NF1 (neurofibromin 1; plus strand). Cytogenetic location: 17q11.2.
Variant type: Deletion.
Coding change: c.3898del on transcript NM_001042492.3 (MANE Select); coding-DNA position 3898, one base deleted (C; older notation c.3898delC).
Protein change: p.Leu1300fs; shifts the reading frame from leucine 1300.
Molecular consequence: frameshift variant.
Genome position (GRCh38, 1-based): chr17:31,235,945, C deleted. VCF-style (leftmost placement, unchanged base first): chr17-31235944-AC-A. GRCh37 (hg19) VCF-style: chr17-29562962-AC-A.
Other names: c.3898delC (NM_000267.3); c.3898delC, p.Leu1300Serfs (NM_000267.4); short protein forms L1300fs.
Identifiers: ClinVar variation 1735957 (VCV001735957.2), dbSNP rs2508264180, ClinGen allele CA2580093107.
Genomic context (GRCh38, chr17:31,235,944, plus strand): 5'-GGTATAATAAACTCCTATTCGTGCATTTCTGTAGGTATATGGTGCTACCTATCTACAAAA[AC>A]TCCTGGATCCTTTATTACGAATTGTGATCACATCCTCTGATTGGCAACATGTTAGCTTTG-3'